The following is an entry in ClinVar:

ClinVar aggregate classification (germline): Uncertain significance (1 of 4 stars; one submission).

gnomAD v4.1: 3 of 1,613,942 alleles (0.00019%); highest among the groups gnomAD compares: Non-Finnish European, 0.00025%; no homozygotes.

Submission:

GeneDx
Classification: Uncertain significance. Last evaluated: 2025-06-26. Review status: criteria provided, single submitter. Criteria: GeneDx Variant Classification Process June 2021. Collection method: clinical testing. Allele origin: germline. Affected: yes.
Comment: Not observed at significant frequency in large population cohorts (gnomAD); In silico analysis supports that this missense variant has a deleterious effect on protein structure/function; Has not been previously published as pathogenic or benign to our knowledge; In silico analysis suggests this variant may impact gene splicing. In the absence of RNA/functional studies, the actual effect of this sequence change is unknown.

NM_005529.7(HSPG2):c.749A>T (p.Glu250Val)

Gene: HSPG2 (heparan sulfate proteoglycan 2; minus strand). Cytogenetic location: 1p36.12.
Variant type: single nucleotide variant.
Coding change: c.749A>T on transcript NM_005529.7 (MANE Select); coding-DNA position 749, A replaced by T.
Protein change: p.Glu250Val; replaces glutamic acid 250 with valine.
Molecular consequence: missense variant.
Genome position (GRCh38, 1-based): chr1:21,887,629, T>A on the plus strand (A>T on the coding strand, the complement: HSPG2 is on the minus strand). VCF-style: chr1-21887629-T-A. GRCh37 (hg19) VCF-style: chr1-22214122-T-A.
Other names: c.749A>T, p.Glu250Val (NM_001291860.2); short protein forms E250V.
Identifiers: ClinVar variation 4680960 (VCV004680960.1).